The following is an entry in ClinVar:

NM_020975.6(RET):c.3200C>T (p.Pro1067Leu)

Gene: RET (ret proto-oncogene; plus strand). Cytogenetic location: 10q11.21.
Variant type: single nucleotide variant.
Coding change: c.3200C>T on transcript NM_020975.6 (MANE Select); coding-DNA position 3200, C replaced by T.
Protein change: p.Pro1067Leu; replaces proline 1067 with leucine.
Molecular consequence: missense variant.
Genome position (GRCh38, 1-based): chr10:43,128,124, C>T. VCF-style: chr10-43128124-C-T. GRCh37 (hg19) VCF-style: chr10-43623572-C-T.
Other names: c.3200C>T (LRG_518t1); short protein forms P1067L.
Identifiers: ClinVar variation 477369 (VCV000477369.62), dbSNP rs760625882, ClinGen allele CA054768.

ClinVar aggregate classification (germline): Conflicting classifications of pathogenicity. Review status: criteria provided, conflicting classifications (1 of 4 stars). 8 submissions from 8 submitters: Uncertain significance (5); Benign (1); Likely benign (2). Last evaluated 2026-08-01.

Conditions:
RET-related disorder. Also called: RET-related disorders; RET-related condition; RET-related disease.
Hereditary cancer-predisposing syndrome. Also called: Hereditary Cancer Syndrome; Hereditary neoplastic syndrome; Tumor predisposition; Neoplastic Syndromes, Hereditary. Identifiers: Orphanet 140162, MedGen C0027672, MeSH D009386, MONDO:0015356.
Multiple endocrine neoplasia, type 2 (MEN2). Identifiers: Orphanet 653, MedGen C4048306, MONDO:0019003. Disease mechanism: gain of function.
Familial medullary thyroid carcinoma (MTC). Also called: Familial Medullary Thyroid Carcinoma (FMTC); Thyroid cancer, familial medullary; MTC, familial. Identifiers: Orphanet 653, Orphanet 99361, MedGen C1833921, MONDO:0007958, OMIM 155240.

Allele frequency attached by ClinVar (database versions not stated): TOPMed 0.00001; gnomAD 0.00002; gnomAD exomes 0.00002 and 0.00008; ExAC 0.00014.
gnomAD v4.1: 30 of 1,613,982 alleles (0.0019%); highest among the groups gnomAD compares: Admixed American, 0.033%; no homozygotes.

Submissions (8):

PreventionGenetics, part of Exact Sciences
Classification: Likely benign for RET-related condition. Last evaluated: 2026-08-01. Review status: criteria provided, single submitter. Criteria: ACMG Guidelines, 2015. Collection method: clinical testing. Allele origin: germline.
Comment: This variant is classified as likely benign based on ACMG/AMP sequence variant interpretation guidelines (Richards et al. 2015 PMID: 25741868, with internal and published modifications).

Labcorp Genetics (formerly Invitae), Labcorp
Classification: Likely benign for Multiple endocrine neoplasia, type 2. Last evaluated: 2025-12-06. Review status: criteria provided, single submitter. Criteria: Invitae Variant Classification Sherloc (09022015). Collection method: clinical testing. Allele origin: germline.

Quest Diagnostics Nichols Institute San Juan Capistrano
Classification: Uncertain significance. Last evaluated: 2024-06-17. Review status: criteria provided, single submitter. Criteria: Quest Diagnostics criteria. Collection method: clinical testing. Allele origin: unknown.

GeneDx
Classification: Uncertain significance. Last evaluated: 2023-12-20. Review status: criteria provided, single submitter. Criteria: GeneDx Variant Classification Process June 2021. Collection method: clinical testing. Allele origin: germline. Affected: yes.
Comment: In silico analysis supports that this missense variant has a deleterious effect on protein structure/function; Has not been previously published as pathogenic or benign to our knowledge; This variant is associated with the following publications: (PMID: 14633923)

Color Diagnostics, LLC DBA Color Health
Classification: Uncertain significance for Multiple endocrine neoplasia, type 2. Last evaluated: 2023-10-26. Review status: criteria provided, single submitter. Criteria: ACMG Guidelines, 2015. Collection method: clinical testing. Allele origin: germline.
Comment: This missense variant replaces proline with leucine at codon 1067 of the RET protein. Computational prediction is inconclusive regarding the impact of this variant on protein structure and function. To our knowledge, functional studies have not been reported for this variant. This variant has not been reported in individuals affected with RET-related disorders in the literature. This variant has been identified in 21/251476 chromosomes in the general population by the Genome Aggregation Database (gnomAD). The available evidence is insufficient to determine the role of this variant in disease conclusively. Therefore, this variant is classified as a Variant of Uncertain Significance.

Ambry Genetics
Classification: Benign for Hereditary cancer-predisposing syndrome. Last evaluated: 2022-02-18. Review status: criteria provided, single submitter. Criteria: Ambry Variant Classification Scheme 2023. Collection method: clinical testing. Allele origin: germline.

Baylor Genetics
Classification: Uncertain significance for Familial medullary thyroid carcinoma. Last evaluated: 2020-04-10. Review status: criteria provided, single submitter. Criteria: ACMG Guidelines, 2015. Collection method: clinical testing. Allele origin: maternal. Affected: yes. Study: CSER-TexasKidsCanSeq.
Comment: This variant was determined to be of uncertain significance according to ACMG Guidelines, 2015 [PMID:25741868].

ARUP Laboratories, Molecular Genetics and Genomics, ARUP Laboratories
Classification: Uncertain significance. Last evaluated: 2020-01-29. Review status: criteria provided, single submitter. Criteria: ARUP Molecular Germline Variant Investigation Process. Collection method: clinical testing. Allele origin: germline.
Comment: The RET c.3200C>T; p.Pro1067Leu variant (rs760625882), to our knowledge, is not reported in the medical literature but is reported as likely benign in ClinVar (Variation ID: 477369). This variant is found in the general population with an overall allele frequency of 0.008% (22/282880 alleles) in the Genome Aggregation Database. The proline at codon 1067 is moderately conserved, and computational analyses (SIFT, PolyPhen-2) predict that this variant is deleterious. However, this variant is not located in any predicted functional domain (InterPro). A different variant at this codon, Pro1067Ser, has been reported as an inactivating RET mutation and was identified in a fetus with unilateral renal agenesis (Skinner 2008). Due to limited information, the clinical significance of the p.Pro1067Leu variant is uncertain at this time. REFERENCES Skinner MA et al. Renal aplasia in humans is associated with RET mutations. Am J Hum Genet. 2008 Feb;82(2):344-51.